The following is an entry in ClinVar:

NM_000071.3(CBS):c.833T>G (p.Ile278Ser)

Gene: CBS (cystathionine beta-synthase; minus strand). Cytogenetic location: 21q22.3.
Variant type: single nucleotide variant.
Coding change: c.833T>G on transcript NM_000071.3 (MANE Select); coding-DNA position 833, T replaced by G.
Protein change: p.Ile278Ser; replaces isoleucine 278 with serine.
Molecular consequence: missense variant.
Genome position (GRCh38, 1-based): chr21:43,063,074, A>C on the plus strand (T>G on the coding strand, the complement: CBS is on the minus strand). VCF-style: chr21-43063074-A-C. GRCh37 (hg19) VCF-style: chr21-44483184-A-C.
Other names: c.833T>G, p.Ile278Ser (NM_001178008.3, NM_001178009.3, NM_001320298.2); c.518T>G, p.Ile173Ser (NM_001321072.1); short protein forms I173S, I278S.
Identifiers: ClinVar variation 3075863 (VCV003075863.2), dbSNP rs5742905, ClinGen allele CA410600182.

ClinVar aggregate classification (germline): Likely pathogenic. Review status: criteria provided, multiple submitters, no conflicts (2 of 4 stars). 2 submissions from 2 submitters: Likely pathogenic (2). Last evaluated 2025-08-15.

Conditions:
Classic homocystinuria. Also called: Homocystinuria due to CBS deficiency; Cystathionine beta-synthase deficiency; CBS deficiency; Homocystinuria due to Cystathionine Beta-Synthase Deficiency; HOMOCYSTINURIA WITH OR WITHOUT RESPONSE TO PYRIDOXINE. Identifiers: Orphanet 394, MedGen C0751202, MONDO:0009352, OMIM 236200.

Submissions (2):

Natera, Inc.
Classification: Likely pathogenic for Homocystinuria due to cystathionine beta-synthase deficiency. Last evaluated: 2025-08-15. Review status: criteria provided, single submitter. Criteria: Natera Variant Classification Schema (03/2026). Collection method: clinical testing. Allele origin: germline.
Comment: The c.833T>G variant in CBS is a missense variant predicted to cause substitution of isoleucine to serine at amino acid 278. This variant is rare in the general population with a frequency below the threshold expected for the associated phenotype(s). This variant has been observed in one or more individuals affected with the associated recessive disease, as either homozygous or compound heterozygous with a second variant (PMID: 21520339). A different variant at the same position has been determined to be Pathogenic or Likely Pathogenic. Computational prediction algorithms indicate this variant is likely to affect gene or protein function. Given the available evidence, this variant is classified as Likely Pathogenic.

Laboratory for Molecular Medicine, Mass General Brigham Personalized Medicine
Classification: Likely pathogenic for Classic homocystinuria. Last evaluated: 2023-02-02. Review status: criteria provided, single submitter. Criteria: ACMG Guidelines, 2015. Collection method: clinical testing. Allele origin: germline.
Comment: The p.Ile278Ser variant in CBS has been reported in one individual with classic homocystinuria in compound heterozygosity with a pathogenic variant. (Cozar 2011 PMID 21520339). The variant was absent from large population studies. Computational prediction tools and conservation analyses suggest that this variant may impact the protein, though this information is not predictive enough to determine pathogenicity. Another variant involving this codon (p.Ile278Thr) has been identified in individuals with homocystinuria and is classified as pathogenic by this laboratory. In summary, although additional studies are required to fully establish its clinical significance, this variant meets criteria to be classified as likely pathogenic for autosomal recessive classic homocystinuria. ACMG/AMP criteria applied: PM3, PM5, PP3, PM2_Supporting. (This variant did not meet the variant calling quality criteria, and was included because it has been previously reported as a clinically significant variant.)

Literature cited by the submitters: PubMed 21520339 (cited by Natera, Inc.).